The following is an entry in ClinVar:

NM_002693.3(POLG):c.3306G>T (p.Gln1102His)

Gene: POLG (DNA polymerase gamma, catalytic subunit; minus strand). Cytogenetic location: 15q26.1.
Variant type: single nucleotide variant.
Coding change: c.3306G>T on transcript NM_002693.3 (MANE Select); coding-DNA position 3306, G replaced by T.
Protein change: p.Gln1102His; replaces glutamine 1102 with histidine.
Molecular consequence: missense variant.
Genome position (GRCh38, 1-based): chr15:89,318,717, C>A on the plus strand (G>T on the coding strand, the complement: POLG is on the minus strand). VCF-style: chr15-89318717-C-A. GRCh37 (hg19) VCF-style: chr15-89861948-C-A.
Other names: c.3306G>T, p.Gln1102His (NM_001126131.2); short protein forms Q1102H.
Identifiers: ClinVar variation 1018335 (VCV001018335.9), dbSNP rs1336274767, ClinGen allele CA393750104.

ClinVar aggregate classification (germline): Uncertain significance (1 of 4 stars; one submission).

Conditions:
Progressive sclerosing poliodystrophy (MTDPS4A). Also called: ALPERS PROGRESSIVE INFANTILE POLIODYSTROPHY; ALPERS DIFFUSE DEGENERATION OF CEREBRAL GRAY MATTER WITH HEPATIC CIRRHOSIS; Alpers-Huttenlocher Syndrome; NEURONAL DEGENERATION OF CHILDHOOD WITH LIVER DISEASE, PROGRESSIVE; Alpers Syndrome; Mitochondrial DNA Depletion Syndrome 4A. Identifiers: Orphanet 726, MedGen C0205710, MONDO:0008758, OMIM 203700.

Allele frequency attached by ClinVar (database versions not stated): gnomAD exomes below 0.00001.
gnomAD v4.1: 1 of 1,614,208 alleles (0.000062%); highest among the groups gnomAD compares: Admixed American, 0.0017%; no homozygotes.

Submission:

Labcorp Genetics (formerly Invitae), Labcorp
Classification: Uncertain significance for Progressive sclerosing poliodystrophy. Last evaluated: 2024-02-26. Review status: criteria provided, single submitter. Criteria: Invitae Variant Classification Sherloc (09022015). Collection method: clinical testing. Allele origin: germline.
Comment: This sequence change replaces glutamine, which is neutral and polar, with histidine, which is basic and polar, at codon 1102 of the POLG protein (p.Gln1102His). This variant is present in population databases (no rsID available, gnomAD 0.003%). This variant has not been reported in the literature in individuals affected with POLG-related conditions. ClinVar contains an entry for this variant (Variation ID: 1018335). Advanced modeling of protein sequence and biophysical properties (such as structural, functional, and spatial information, amino acid conservation, physicochemical variation, residue mobility, and thermodynamic stability) performed at Invitae indicates that this missense variant is expected to disrupt POLG protein function with a positive predictive value of 95%. In summary, the available evidence is currently insufficient to determine the role of this variant in disease. Therefore, it has been classified as a Variant of Uncertain Significance.